The following is an entry in ClinVar:

NM_006440.5(TXNRD2):c.949_949+21del

Gene: TXNRD2 (thioredoxin reductase 2; minus strand). Cytogenetic location: 22q11.21.
Variant type: Deletion.
Coding change: c.949_949+21del on transcript NM_006440.5 (MANE Select); coding-DNA position 949 through 21 bases into the intron after coding-DNA position 949, 22 bases deleted (GGTAAGGGCACGTCGAGCCACA).
Molecular consequence: splice donor variant.
Genome position (GRCh38, 1-based): chr22:19,895,386-19,895,407, TGTGGCTCGACGTGCCCTTACC deleted on the plus strand (GGTAAGGGCACGTCGAGCCACA on the coding strand, the reverse complement: TXNRD2 is on the minus strand); deleting any 22 consecutive bases within chr22:19,895,386-19,895,408 gives the same sequence; the c. name uses the placement nearest the transcript's 3' end. VCF-style (leftmost placement, unchanged base first): chr22-19895385-GTGTGGCTCGACGTGCCCTTACC-G. GRCh37 (hg19) VCF-style: chr22-19882908-GTGTGGCTCGACGTGCCCTTACC-G.
Other names: c.853_853+21del (NM_001352303.2); c.946_946+21del (NM_001352300.2); c.661_661+21del (NM_001352302.2); c.859_859+21del (NM_001352301.2); c.949_949+21del (NM_001282512.3).
Identifiers: ClinVar variation 3654585 (VCV003654585.2).
Genomic context (GRCh38, chr22:19,895,385, plus strand): 5'-GAGGTGACAGGAAGTGGGGCAAAGATTCTCCATGCACCTCGGGGAGACCAGAGACAGAGC[GTGTGGCTCGACGTGCCCTTACC>G]TATGGCCCACAGGACGGTGTCAAAGGTGCCCGTGTCCTCCTTGCCGGTGGTGCTGTCCTC-3'

ClinVar aggregate classification (germline): Uncertain significance (1 of 4 stars; one submission).

Conditions:
Primary dilated cardiomyopathy (DCM). Also called: Dilated Cardiomyopathy. Identifiers: Orphanet 217604, MedGen C0007193, MeSH D002311, MONDO:0005021, HP:0001644. Inheritance: Various modes of inheritance.

Submission:

Labcorp Genetics (formerly Invitae), Labcorp
Classification: Uncertain significance for Primary dilated cardiomyopathy. Last evaluated: 2024-05-25. Review status: criteria provided, single submitter. Criteria: Invitae Variant Classification Sherloc (09022015). Collection method: clinical testing. Allele origin: germline.
Comment: This variant results in the deletion of part of exon 11 (c.949_949+21del) of the TXNRD2 gene. It is expected to disrupt RNA splicing. Variants that disrupt the donor or acceptor splice site typically lead to a loss of protein function (PMID: 16199547), however the current clinical and genetic evidence is not sufficient to establish whether loss-of-function variants in TXNRD2 cause disease. This variant is not present in population databases (gnomAD no frequency). This variant has not been reported in the literature in individuals affected with TXNRD2-related conditions. In summary, the available evidence is currently insufficient to determine the role of this variant in disease. Therefore, it has been classified as a Variant of Uncertain Significance.

Literature cited by the submitters: PubMed 16199547.